The following is an entry in ClinVar:

ClinVar aggregate classification (germline): Pathogenic (1 of 4 stars; one submission).

Conditions:
Cornelia de Lange syndrome 1 (CDLS1). Also called: TYPUS DEGENERATIVUS AMSTELODAMENSIS; Brachmann de Lange syndrome; NIPBL-Related Cornelia de Lange Syndrome. Identifiers: Orphanet 199, MedGen C4551851, MONDO:0007387, OMIM 122470.

Submission:

Institute of Human Genetics, University of Leipzig Medical Center
Classification: Pathogenic for Cornelia de Lange syndrome 1. Last evaluated: 2024-11-13. Review status: criteria provided, single submitter. Criteria: ACMG Guidelines, 2015. Collection method: clinical testing. Allele origin: unknown. Inheritance: Autosomal dominant inheritance. Affected: yes.
Comment: Criteria applied: PVS1,PM2

NM_006265.3(RAD21):c.660del (p.Phe220fs)

Gene: RAD21 (RAD21 cohesin complex component; minus strand). Cytogenetic location: 8q24.11.
Variant type: Deletion.
Coding change: c.660del on transcript NM_006265.3 (MANE Select); coding-DNA position 660, one base deleted (T; older notation c.660delT).
Protein change: p.Phe220fs; shifts the reading frame from phenylalanine 220.
Molecular consequence: frameshift variant.
Genome position (GRCh38, 1-based): chr8:116,857,295, A deleted on the plus strand (T on the coding strand, the reverse complement: RAD21 is on the minus strand); the first of 4 consecutive A bases (chr8:116,857,295-116,857,298); deleting any one gives the same sequence. VCF-style (leftmost placement, unchanged base first): chr8-116857294-CA-C. GRCh37 (hg19) VCF-style: chr8-117869533-CA-C.
Other names: short protein forms F220fs.
Identifiers: ClinVar variation 3385383 (VCV003385383.2).